The following is an entry in ClinVar:

NM_001366385.1(CARD14):c.2871G>C (p.Glu957Asp)

Genes: SGSH (N-sulfoglucosamine sulfohydrolase; minus strand), CARD14 (caspase recruitment domain family member 14; plus strand). Cytogenetic location: 17q25.3.
Variant type: single nucleotide variant.
Coding change: c.2871G>C on transcript NM_001366385.1 (MANE Select); coding-DNA position 2871, G replaced by C.
Protein change: p.Glu957Asp; replaces glutamic acid 957 with aspartic acid.
Molecular consequence: missense variant. On other transcripts: non-coding transcript variant (1).
Genome position (GRCh38, 1-based): chr17:80,208,201, G>C. VCF-style: chr17-80208201-G-C. GRCh37 (hg19) VCF-style: chr17-78182000-G-C.
Other names: c.2871G>C, p.Glu957Asp (NM_024110.4); c.2871G>C (NM_024110.3); short protein forms E957D.
Identifiers: ClinVar variation 643829 (VCV000643829.10), dbSNP rs373510767, ClinGen allele CA294888559.

ClinVar aggregate classification (germline): Uncertain significance. Review status: criteria provided, multiple submitters, no conflicts (2 of 4 stars). 3 submissions from 3 submitters: Uncertain significance (3). Last evaluated 2023-12-26.

Conditions:
Inborn genetic diseases. Identifiers: MedGen C0950123, MeSH D030342.
Pityriasis rubra pilaris (PRP). Also called: Pityriasis rubra pilaris--familial type. Identifiers: Orphanet 2897, MedGen C0032027, MONDO:0100017, OMIM 173200, MONDO:0008251.
Psoriasis 2. Identifiers: MedGen C1864497, MONDO:0011269, OMIM 602723.

Allele frequency attached by ClinVar (database versions not stated): gnomAD exomes 0.00001; gnomAD 0.00006; ESP Exome Variant Server 0.00008; TOPMed 0.00009.
gnomAD v4.1: 11 of 1,554,790 alleles (0.00071%); highest among the groups gnomAD compares: African/African-American, 0.015%; no homozygotes.

Submissions (3):

Ambry Genetics
Classification: Uncertain significance for Inborn genetic diseases. Last evaluated: 2023-12-26. Review status: criteria provided, single submitter. Criteria: Ambry Variant Classification Scheme 2023. Collection method: clinical testing. Allele origin: germline.

Labcorp Genetics (formerly Invitae), Labcorp
Classification: Uncertain significance for Pityriasis rubra pilaris; Psoriasis 2. Last evaluated: 2023-12-18. Review status: criteria provided, single submitter. Criteria: Invitae Variant Classification Sherloc (09022015). Collection method: clinical testing. Allele origin: germline.
Comment: This sequence change replaces glutamic acid, which is acidic and polar, with aspartic acid, which is acidic and polar, at codon 957 of the CARD14 protein (p.Glu957Asp). The frequency data for this variant in the population databases is considered unreliable, as metrics indicate poor data quality at this position in the gnomAD database. This variant has not been reported in the literature in individuals affected with CARD14-related conditions. ClinVar contains an entry for this variant (Variation ID: 643829). Advanced modeling of protein sequence and biophysical properties (such as structural, functional, and spatial information, amino acid conservation, physicochemical variation, residue mobility, and thermodynamic stability) performed at Invitae indicates that this missense variant is not expected to disrupt CARD14 protein function with a negative predictive value of 80%. In summary, the available evidence is currently insufficient to determine the role of this variant in disease. Therefore, it has been classified as a Variant of Uncertain Significance.

Center for Genomics, Ann and Robert H. Lurie Children's Hospital of Chicago
Classification: Uncertain significance for Psoriasis 2; Pityriasis rubra pilaris. Review status: criteria provided, single submitter. Criteria: ACMG Guidelines, 2015. Collection method: clinical testing. Allele origin: germline.
Comment: CARD14 NM_024110.4 exon 21 p.Glu957Asp (c.2871G>C): This variant has not been reported in the literature but is present in 0.02% (5/18334) of African alleles in the Genome Aggregation Database (h). This variant is present in ClinVar (Variation ID:643829). This variant Aspartic Acid (Asp) is present as wild type in 1 animal (Egyptian Jerboa); however, evolutionary conservation suggests that this variant may impact the protein; computational predictive tools for this variant are unclear. In summary, data on this variant is insufficient for disease classification. Therefore, the clinical significance of this variant is uncertain.